The following is an entry in ClinVar:

NM_001365536.1(SCN9A):c.4510del (p.Ile1504fs)

Genes: SCN9A (sodium voltage-gated channel alpha subunit 9; minus strand), SCN1A-AS1 (SCN1A and SCN9A antisense RNA 1; plus strand). Cytogenetic location: 2q24.3.
Variant type: Deletion.
Coding change: c.4510del on transcript NM_001365536.1 (MANE Select); coding-DNA position 4510, one base deleted (A; older notation c.4510delA).
Protein change: p.Ile1504fs; shifts the reading frame from isoleucine 1504.
Molecular consequence: frameshift variant.
Genome position (GRCh38, 1-based): chr2:166,204,219, T deleted on the plus strand (A on the coding strand, the reverse complement: SCN9A is on the minus strand); the first of 4 consecutive T bases (chr2:166,204,219-166,204,222); deleting any one gives the same sequence. VCF-style (leftmost placement, unchanged base first): chr2-166204218-AT-A. GRCh37 (hg19) VCF-style: chr2-167060728-AT-A.
Other names: c.4474delA, p.Ile1493Serfs (NM_002977.4); short protein forms I1493fs, I1504fs.
Identifiers: ClinVar variation 940282 (VCV000940282.10), dbSNP rs1693682030, ClinGen allele CA1139657333.

ClinVar aggregate classification (germline): Pathogenic (1 of 4 stars; one submission).

Conditions:
Generalized epilepsy with febrile seizures plus, type 7 (GEFSP7). Also called: GEFS+, TYPE 7. Identifiers: Orphanet 36387, MedGen C2751778, MONDO:0013470, OMIM 613863.
Neuropathy, hereditary sensory and autonomic, type 2A (HSAN2A). Also called: HSAN IIA; MORVAN DISEASE; NEUROPATHY, CONGENITAL SENSORY; NEUROPATHY, HEREDITARY SENSORY RADICULAR, AUTOSOMAL RECESSIVE; NEUROPATHY, HEREDITARY SENSORY, TYPE IIA; NEUROPATHY, PROGRESSIVE SENSORY, OF CHILDREN. Identifiers: Orphanet 970, MedGen C2752089, MONDO:0024309, OMIM 201300.

Submission:

Labcorp Genetics (formerly Invitae), Labcorp
Classification: Pathogenic for Neuropathy, hereditary sensory and autonomic, type 2A; Generalized epilepsy with febrile seizures plus, type 7. Last evaluated: 2020-09-09. Review status: criteria provided, single submitter. Criteria: Invitae Variant Classification Sherloc (09022015). Collection method: clinical testing. Allele origin: germline.
Comment: This sequence change creates a premature translational stop signal (p.Ile1493Serfs*8) in the SCN9A gene. It is expected to result in an absent or disrupted protein product. This variant is not present in population databases (ExAC no frequency). This variant has been observed in an individual affected with autosomal recessive congenital insensitivity to pain (PMID: 20635406). Loss-of-function variants in SCN9A are known to be pathogenic (PMID: 17470132, 19304393). For these reasons, this variant has been classified as Pathogenic.

Literature cited by the submitters: PubMed 20635406; PubMed 17470132; PubMed 19304393.